The following is an entry in ClinVar:

ClinVar aggregate classification (germline): Likely pathogenic (1 of 4 stars; one submission).

Submission:

GeneDx
Classification: Likely pathogenic. Last evaluated: 2026-05-26. Review status: criteria provided, single submitter. Criteria: GeneDx Variant Classification Process June 2021. Collection method: clinical testing. Allele origin: germline.
Comment: Nonsense variant predicted to result in protein truncation or nonsense mediated decay in a gene for which loss of function is a known mechanism of disease; Not observed at significant frequency in large population cohorts (gnomAD); Has not been previously published as pathogenic or benign to our knowledge

NM_015057.5(MYCBP2):c.1612C>T (p.Arg538Ter)

Gene: MYCBP2 (MYC binding protein 2; minus strand). Cytogenetic location: 13q22.3.
Variant type: single nucleotide variant.
Coding change: c.1612C>T on transcript NM_015057.5 (MANE Select); coding-DNA position 1612, C replaced by T.
Protein change: p.Arg538Ter; replaces arginine 538 with a stop codon.
Molecular consequence: nonsense.
Genome position (GRCh38, 1-based): chr13:77,262,088, G>A on the plus strand (C>T on the coding strand, the complement: MYCBP2 is on the minus strand). VCF-style: chr13-77262088-G-A. GRCh37 (hg19) VCF-style: chr13-77836223-G-A.
Other names: short protein forms R538*.
Identifiers: ClinVar variation 3900582 (VCV003900582.2).
Genomic context (GRCh38, chr13:77,262,088, plus strand): 5'-TTTTAATCCAAAGAGAATAATTTACCTTTCCATTTGCTGTTTTCATTAGCGCAAACTCTC[G>A]TCCTGCACCAAGAATTGCTGACTCCTCATCAAATCCTGTACCTGAAATACGAGACTAATA-3'